The following is an entry in ClinVar:

NM_006701.5(TXNL4A):c.153+1617A>G

Gene: TXNL4A (thioredoxin like 4A; minus strand). Cytogenetic location: 18q23.
Variant type: single nucleotide variant.
Coding change: c.153+1617A>G on transcript NM_006701.5 (MANE Select); 1617 bases into the intron after coding-DNA position 153, A replaced by G.
Molecular consequence: intron variant. On other transcripts: synonymous variant (1), non-coding transcript variant (1).
Genome position (GRCh38, 1-based): chr18:79,986,623, T>C on the plus strand (A>G on the coding strand, the complement: TXNL4A is on the minus strand). VCF-style: chr18-79986623-T-C. GRCh37 (hg19) VCF-style: chr18-77746623-T-C.
Other names: c.15A>G, p.Arg5= (NM_001303471.3); c.-60-8922A>G (NM_001305564.2, NM_001305563.2); c.129+1641A>G (NM_001305557.2); c.15A>G (NM_001303471.2).
Identifiers: ClinVar variation 1177803 (VCV001177803.5), dbSNP rs8086024, ClinGen allele CA14526196.

ClinVar aggregate classification (germline): Benign. Review status: criteria provided, multiple submitters, no conflicts (2 of 4 stars). 3 submissions from 3 submitters: Benign (2). 1 of the submissions does not count toward it. Last evaluated 2018-11-13.

Conditions:
TXNL4A-related disorder. Also called: TXNL4A-related condition.

Allele frequency attached by ClinVar (database versions not stated): TOPMed 0.77078; gnomAD 0.77979 and 0.78488; 1000 Genomes Project 30x 0.78826; 1000 Genomes Project 0.79712; gnomAD exomes 0.83123.
gnomAD v4.1: 811,853 of 985,268 alleles (82%); highest among the groups gnomAD compares: East Asian, 91%; 335,827 homozygotes.

Submissions (3):

GeneDx
Classification: Benign. Last evaluated: 2018-11-13. Review status: criteria provided, single submitter. Criteria: GeneDx Variant Classification Process June 2021. Collection method: clinical testing. Allele origin: germline. Affected: yes.

Breakthrough Genomics
Classification: Benign. Review status: criteria provided, single submitter. Criteria: ACMG Guidelines, 2015. Collection method: not provided. Allele origin: germline. Inheritance: Autosomal recessive inheritance. Affected: yes.

PreventionGenetics, part of Exact Sciences
Classification: Benign for TXNL4A-related condition. Last evaluated: 2019-09-18. Review status: no assertion criteria provided. Collection method: clinical testing. Allele origin: germline. Not counted in ClinVar's aggregate classification.
Comment: This variant is classified as benign based on ACMG/AMP sequence variant interpretation guidelines (Richards et al. 2015 PMID: 25741868, with internal and published modifications).